The following is an entry in ClinVar:

NM_014324.6(AMACR):c.-22C>G

Genes: C1QTNF3-AMACR (C1QTNF3-AMACR readthrough (NMD candidate); minus strand), AMACR (alpha-methylacyl-CoA racemase; minus strand). Cytogenetic location: 5p13.2.
Variant type: single nucleotide variant.
Coding change: c.-22C>G on transcript NM_014324.6 (MANE Select); 22 bases upstream of the start codon, C replaced by G.
Molecular consequence: 5 prime UTR variant.
Genome position (GRCh38, 1-based): chr5:34,008,041, G>C on the plus strand (C>G on the coding strand, the complement: AMACR is on the minus strand). VCF-style: chr5-34008041-G-C. GRCh37 (hg19) VCF-style: chr5-34008146-G-C.
Other names: c.-22C>G (NM_001167595.2, NM_203382.3).
Identifiers: ClinVar variation 384898 (VCV000384898.33), dbSNP rs35448266, ClinGen allele CA3226320.
Genomic context (GRCh38, chr5:34,008,041, plus strand): 5'-GCCGGACAGCTCCACGACCGAGATGCCCTGCAGTGCCATGGCGCTTCCCAGTGCCCCGCT[G>C]AAGGAAACTGAGCAGCCCTTAGCCCCAGCCCAGCAGCCTGCAAGAAGCCCTCCCAATCCC-3'

ClinVar aggregate classification (germline): Conflicting classifications of pathogenicity. Review status: criteria provided, conflicting classifications (1 of 4 stars). 4 submissions from 4 submitters: Uncertain significance (1); Likely benign (2). 1 of the submissions does not count toward it. Last evaluated 2025-08-01.

Conditions:
Alpha-methylacyl-CoA racemase deficiency (AMACRD). Also called: AMACR deficiency. Identifiers: Orphanet 79095, MedGen C3280428, MONDO:0013681, OMIM 614307. Disease mechanism: loss of function.

Allele frequency attached by ClinVar (database versions not stated): 1000 Genomes Project 30x 0.00031; 1000 Genomes Project 0.00040; gnomAD 0.00119 and 0.00123; TOPMed 0.00137; ESP Exome Variant Server 0.00147.
gnomAD v4.1: 2,219 of 1,607,782 alleles (0.14%); highest among the groups gnomAD compares: Middle Eastern, 0.74%; 9 homozygotes.

Submissions (4):

CeGaT Center for Human Genetics Tuebingen
Classification: Likely benign. Last evaluated: 2025-08-01. Review status: criteria provided, single submitter. Criteria: CeGaT Center For Human Genetics Tuebingen Variant Classification Criteria Version 2. Collection method: clinical testing. Allele origin: germline. Affected: yes. Observed: 2 variant alleles.
Comment: AMACR: BS2

GeneDx
Classification: Likely benign. Last evaluated: 2018-02-26. Review status: criteria provided, single submitter. Criteria: GeneDx Variant Classification (06012015). Collection method: clinical testing. Allele origin: germline. Affected: yes.
Comment: This variant is considered likely benign or benign based on one or more of the following criteria: it is a conservative change, it occurs at a poorly conserved position in the protein, it is predicted to be benign by multiple in silico algorithms, and/or has population frequency not consistent with disease.

Illumina Laboratory Services, Illumina
Classification: Uncertain significance for Alpha-methylacyl-CoA racemase deficiency. Last evaluated: 2017-04-27. Review status: criteria provided, single submitter. Criteria: ICSL Variant Classification Criteria 13 December 2019. Collection method: clinical testing. Allele origin: germline.

Mayo Clinic Laboratories, Mayo Clinic
Classification: Likely benign. Last evaluated: 2017-08-17. Review status: no assertion criteria provided. Collection method: clinical testing. Allele origin: unknown. Not counted in ClinVar's aggregate classification.